The following is an entry in ClinVar:

ClinVar aggregate classification (germline): Uncertain significance (1 of 4 stars; one submission).

Submission:

GeneDx
Classification: Uncertain significance. Last evaluated: 2024-08-07. Review status: criteria provided, single submitter. Criteria: GeneDx Variant Classification Process June 2021. Collection method: clinical testing. Allele origin: germline. Affected: yes.
Comment: Not observed at significant frequency in large population cohorts (gnomAD); In silico analysis supports that this missense variant has a deleterious effect on protein structure/function; Has not been previously published as pathogenic or benign to our knowledge; This variant is associated with the following publications: (PMID: 24438169)

NM_001130987.2(DYSF):c.3346A>G (p.Met1116Val)

Gene: DYSF (dysferlin; plus strand). Cytogenetic location: 2p13.2.
Variant type: single nucleotide variant.
Coding change: c.3346A>G on transcript NM_001130987.2 (MANE Select); coding-DNA position 3346, A replaced by G.
Protein change: p.Met1116Val; replaces methionine 1116 with valine.
Molecular consequence: missense variant.
Genome position (GRCh38, 1-based): chr2:71,574,315, A>G. VCF-style: chr2-71574315-A-G. GRCh37 (hg19) VCF-style: chr2-71801445-A-G.
Other names: c.3295A>G, p.Met1099Val (NM_001130455.2, NM_001130983.2); c.3250A>G, p.Met1084Val (NM_001130976.2, NM_001130977.2); c.3292A>G, p.Met1098Val (NM_001130978.2, NM_003494.4); c.3385A>G, p.Met1129Val (NM_001130979.2); c.3343A>G, p.Met1115Val (NM_001130980.2, NM_001130981.2); c.3388A>G, p.Met1130Val (NM_001130982.2); c.3253A>G, p.Met1085Val (NM_001130984.2, NM_001130986.2); c.3346A>G, p.Met1116Val (NM_001130985.2); short protein forms M1084V, M1085V, M1098V, M1099V, M1115V, M1116V, M1129V, M1130V.
Identifiers: ClinVar variation 3603129 (VCV003603129.1).